The following is an entry in ClinVar:

ClinVar aggregate classification (germline): Uncertain significance. Review status: criteria provided, multiple submitters, no conflicts (2 of 4 stars). 2 submissions from 2 submitters: Uncertain significance (2). Last evaluated 2022-07-14.

Allele frequency attached by ClinVar (database versions not stated): gnomAD 0.00001; gnomAD exomes 0.00001; TOPMed 0.00001.

Submissions (2):

Labcorp Genetics (formerly Invitae), Labcorp
Classification: Uncertain significance. Last evaluated: 2022-07-14. Review status: criteria provided, single submitter. Criteria: Invitae Variant Classification Sherloc (09022015). Collection method: clinical testing. Allele origin: germline.
Comment: This sequence change replaces alanine, which is neutral and non-polar, with threonine, which is neutral and polar, at codon 440 of the PIGV protein (p.Ala440Thr). This variant is present in population databases (no rsID available, gnomAD 0.0009%). This variant has not been reported in the literature in individuals affected with PIGV-related conditions. Algorithms developed to predict the effect of missense changes on protein structure and function output the following: SIFT: "Tolerated"; PolyPhen-2: "Benign"; Align-GVGD: "Class C0". The threonine amino acid residue is found in multiple mammalian species, which suggests that this missense change does not adversely affect protein function. In summary, the available evidence is currently insufficient to determine the role of this variant in disease. Therefore, it has been classified as a Variant of Uncertain Significance.

GeneDx
Classification: Uncertain significance. Last evaluated: 2022-07-01. Review status: criteria provided, single submitter. Criteria: GeneDx Variant Classification Process June 2021. Collection method: clinical testing. Allele origin: germline. Affected: yes.
Comment: Not observed at significant frequency in large population cohorts (gnomAD); In silico analysis supports that this missense variant does not alter protein structure/function; Has not been previously published as pathogenic or benign to our knowledge

NM_017837.4(PIGV):c.1318G>A (p.Ala440Thr)

Gene: PIGV (phosphatidylinositol glycan anchor biosynthesis class V; plus strand). Cytogenetic location: 1p36.11.
Variant type: single nucleotide variant.
Coding change: c.1318G>A on transcript NM_017837.4 (MANE Select); coding-DNA position 1318, G replaced by A.
Protein change: p.Ala440Thr; replaces alanine 440 with threonine.
Molecular consequence: missense variant. On other transcripts: non-coding transcript variant (2).
Genome position (GRCh38, 1-based): chr1:26,797,680, G>A. VCF-style: chr1-26797680-G-A. GRCh37 (hg19) VCF-style: chr1-27124171-G-A.
Other names: c.1318G>A, p.Ala440Thr (NM_001202554.2, NM_001374478.1, NM_001374480.1 and 2 more transcripts); c.937G>A, p.Ala313Thr (NM_001374483.1); c.691G>A, p.Ala231Thr (NM_001374484.1, NM_001374485.1); c.196G>A, p.Ala66Thr (NM_001374486.1); short protein forms A231T, A313T, A440T, A66T.
Identifiers: ClinVar variation 1810056 (VCV001810056.3), dbSNP rs1013076880, ClinGen allele CA19836864.